The following is an entry in ClinVar:

ClinVar aggregate classification (germline): Pathogenic/Likely pathogenic. Review status: criteria provided, multiple submitters, no conflicts (2 of 4 stars). 4 submissions from 4 submitters: Pathogenic (3); Likely pathogenic (1). Last evaluated 2024-12-13.

Conditions:
Hereditary nonpolyposis colorectal neoplasms. Identifiers: MedGen C0009405, MeSH D003123.
Hereditary cancer-predisposing syndrome. Also called: Hereditary Cancer Syndrome; Hereditary neoplastic syndrome; Neoplastic Syndromes, Hereditary; Tumor predisposition. Identifiers: Orphanet 140162, MedGen C0027672, MeSH D009386, MONDO:0015356.
Lynch syndrome 5 (LYNCH5). Also called: Hereditary non-polyposis colorectal cancer, type 5; Colorectal cancer, hereditary nonpolyposis, type 5. Identifiers: Orphanet 144, MedGen C1833477, MONDO:0013710, OMIM 614350. Disease mechanism: loss of function.

Submissions (4):

Ambry Genetics
Classification: Likely pathogenic for Hereditary cancer-predisposing syndrome. Last evaluated: 2024-12-13. Review status: criteria provided, single submitter. Criteria: Ambry Variant Classification Scheme 2023. Collection method: clinical testing. Allele origin: germline.
Comment: The c.3939dupT variant, located in coding exon 9 of the MSH6 gene, results from a duplication of T at nucleotide position 3939, causing a translational frameshift with a predicted alternate stop codon (p.Q1314Sfs*5). This alteration occurs at the 3' terminus of theMSH6 gene, is not expected to trigger nonsense-mediated mRNA decay, and impacts the last 3.45% of the protein. However, premature stop codons are typically deleterious in nature and the impacted region is critical for protein function (Ambry internal data). This variant is considered to be rare based on population cohorts in the Genome Aggregation Database (gnomAD). Based on the majority of available evidence to date, this variant is likely to be pathogenic.

Myriad Genetics, Inc.
Classification: Pathogenic for Lynch syndrome 5. Last evaluated: 2023-08-28. Review status: criteria provided, single submitter. Criteria: Myriad Autosomal Dominant, Autosomal Recessive and X-Linked Classification Criteria (2023). Collection method: clinical testing. Allele origin: unknown.
Comment: This variant is considered pathogenic. This variant creates a frameshift predicted to result in premature protein truncation.

Color Diagnostics, LLC DBA Color Health
Classification: Pathogenic for Hereditary cancer-predisposing syndrome. Last evaluated: 2020-04-01. Review status: criteria provided, single submitter. Criteria: ACMG Guidelines, 2015. Collection method: clinical testing. Allele origin: germline.
Comment: This variant inserts 1 nucleotide in exon 9 of the MSH6 gene, creating a frameshift and premature translation stop signal. This variant is expected to result in an absent or non-functional protein product. To our knowledge, this variant has not been reported in individuals affected with hereditary cancer in the literature. This variant has not been identified in the general population by the Genome Aggregation Database (gnomAD). Loss of MSH6 function is a known mechanism of disease. Based on the available evidence, this variant is classified as Pathogenic.

Labcorp Genetics (formerly Invitae), Labcorp
Classification: Pathogenic for Hereditary nonpolyposis colorectal neoplasms. Last evaluated: 2019-09-20. Review status: criteria provided, single submitter. Criteria: Invitae Variant Classification Sherloc (09022015). Collection method: clinical testing. Allele origin: germline.
Comment: This variant has not been reported in the literature in individuals with MSH6-related conditions. The frequency data for this variant in the population databases is considered unreliable, as metrics indicate poor data quality at this position in the ExAC database. This sequence change creates a premature translational stop signal (p.Gln1314Serfs*5) in the MSH6 gene. It is expected to result in an absent or disrupted protein product. Loss-of-function variants in MSH6 are known to be pathogenic (PMID: 18269114, 24362816). For these reasons, this variant has been classified as Pathogenic.

Literature cited by the submitters: PubMed 17531815 (cited by Ambry Genetics); PubMed 18269114 (cited by Labcorp Genetics (formerly Invitae), Labcorp); PubMed 24362816 (cited by Labcorp Genetics (formerly Invitae), Labcorp).

NM_000179.3(MSH6):c.3939dup (p.Gln1314fs)

Gene: MSH6 (mutS homolog 6; plus strand). Cytogenetic location: 2p16.3.
Variant type: Duplication.
Coding change: c.3939dup on transcript NM_000179.3 (MANE Select); coding-DNA position 3939, one base duplicated (T; older notation c.3939dupT).
Protein change: p.Gln1314fs; shifts the reading frame from glutamine 1314.
Molecular consequence: frameshift variant.
Genome position (GRCh38, 1-based): chr2:47,806,589, T duplicated; the last of 2 consecutive T bases (chr2:47,806,588-47,806,589); duplicating either gives the same sequence. VCF-style (leftmost placement, unchanged base first): chr2-47806587-A-AT. GRCh37 (hg19) VCF-style: chr2-48033726-A-AT.
Other names: c.3549dup, p.Gln1184fs (NM_001281492.2); c.3033dup, p.Gln1012fs (NM_001281493.2, NM_001281494.2); c.3939dupT (NM_000179.2); short protein forms Q1012fs, Q1314fs, Q1184fs.
Identifiers: ClinVar variation 455309 (VCV000455309.17), dbSNP rs1553333633, ClinGen allele CA072328.